The following is an entry in ClinVar:

ClinVar aggregate classification (germline): Uncertain significance (1 of 4 stars; one submission).

Conditions:
Hereditary cancer-predisposing syndrome. Also called: Neoplastic Syndromes, Hereditary; Tumor predisposition; Hereditary Cancer Syndrome; Hereditary neoplastic syndrome. Identifiers: Orphanet 140162, MedGen C0027672, MeSH D009386, MONDO:0015356.

Submission:

Ambry Genetics
Classification: Uncertain significance for Hereditary cancer-predisposing syndrome. Last evaluated: 2021-02-11. Review status: criteria provided, single submitter. Criteria: Ambry Variant Classification Scheme 2023. Collection method: clinical testing. Allele origin: germline.
Comment: The p.R1368P variant (also known as c.4103G>C), located in coding exon 21 of the DICER1 gene, results from a G to C substitution at nucleotide position 4103. The arginine at codon 1368 is replaced by proline, an amino acid with dissimilar properties. This amino acid position is highly conserved in available vertebrate species. In addition, this alteration is predicted to be deleterious by in silico analysis. Since supporting evidence is limited at this time, the clinical significance of this alteration remains unclear.

NM_177438.3(DICER1):c.4103G>C (p.Arg1368Pro)

Gene: DICER1 (dicer 1, ribonuclease III; minus strand). Cytogenetic location: 14q32.13.
Variant type: single nucleotide variant.
Coding change: c.4103G>C on transcript NM_177438.3 (MANE Select); coding-DNA position 4103, G replaced by C.
Protein change: p.Arg1368Pro; replaces arginine 1368 with proline.
Molecular consequence: missense variant. On other transcripts: non-coding transcript variant (6).
Genome position (GRCh38, 1-based): chr14:95,099,883, C>G on the plus strand (G>C on the coding strand, the complement: DICER1 is on the minus strand). VCF-style: chr14-95099883-C-G. GRCh37 (hg19) VCF-style: chr14-95566220-C-G.
Other names: c.4103G>C, p.Arg1368Pro (NM_001195573.1, NM_001271282.3, NM_001291628.2 and 13 more transcripts); c.3821G>C, p.Arg1274Pro (NM_001395686.1); c.3698G>C, p.Arg1233Pro (NM_001395687.1, NM_001395688.1, NM_001395689.1 and 2 more transcripts); c.3536G>C, p.Arg1179Pro (NM_001395691.1); c.2420G>C, p.Arg807Pro (NM_001395697.1); short protein forms R1179P, R807P, R1274P, R1368P, R1233P.
Identifiers: ClinVar variation 1737870 (VCV001737870.2), dbSNP rs767112987, ClinGen allele CA390872122.